The following is an entry in ClinVar:

NM_001177701.3(IFT27):c.551C>G (p.Ala184Gly)

Genes: CACNG2-DT (CACNG2 divergent transcript; plus strand), IFT27 (intraflagellar transport 27; minus strand). Cytogenetic location: 22q12.3.
Variant type: single nucleotide variant.
Coding change: c.551C>G on transcript NM_001177701.3 (MANE Select); coding-DNA position 551, C replaced by G.
Protein change: p.Ala184Gly; replaces alanine 184 with glycine.
Molecular consequence: missense variant.
Genome position (GRCh38, 1-based): chr22:36,758,321, G>C on the plus strand (C>G on the coding strand, the complement: IFT27 is on the minus strand). VCF-style: chr22-36758321-G-C. GRCh37 (hg19) VCF-style: chr22-37154365-G-C.
Other names: c.551C>G, p.Ala184Gly (NM_001363003.2); c.548C>G, p.Ala183Gly (NM_006860.5); short protein forms A183G, A184G.
Identifiers: ClinVar variation 1015709 (VCV001015709.8), dbSNP rs1937985949, ClinGen allele CA411378197.
Genomic context (GRCh38, chr22:36,758,321, plus strand): 5'-AGAGGTAATTCTGTCTTCTCCGGTTGTGCAGCACGATCTGCTCCAGCTCGTCATGCCAGG[G>C]CCCGGAAAACCTCCACCTTCTCCCGGTACAGCTGGTGGAACTGCTTGGCAAGGCAGTGGA-3'
Protein context (NP_001171172.1, residues 174-186): LYREKVEVFR[Ala184Gly]LA

ClinVar aggregate classification (germline): Uncertain significance (1 of 4 stars; one submission).

Submission:

Labcorp Genetics (formerly Invitae), Labcorp
Classification: Uncertain significance. Last evaluated: 2024-10-16. Review status: criteria provided, single submitter. Criteria: Invitae Variant Classification Sherloc (09022015). Collection method: clinical testing. Allele origin: germline.
Comment: This sequence change replaces alanine, which is neutral and non-polar, with glycine, which is neutral and non-polar, at codon 183 of the IFT27 protein (p.Ala183Gly). This variant is not present in population databases (gnomAD no frequency). This variant has not been reported in the literature in individuals affected with IFT27-related conditions. ClinVar contains an entry for this variant (Variation ID: 1015709). Invitae Evidence Modeling of protein sequence and biophysical properties (such as structural, functional, and spatial information, amino acid conservation, physicochemical variation, residue mobility, and thermodynamic stability) indicates that this missense variant is not expected to disrupt IFT27 protein function with a negative predictive value of 95%. In summary, the available evidence is currently insufficient to determine the role of this variant in disease. Therefore, it has been classified as a Variant of Uncertain Significance.